The following is an entry in ClinVar:

NM_020937.4(FANCM):c.3270A>G (p.Gln1090=)

Gene: FANCM (FA complementation group M; plus strand). Cytogenetic location: 14q21.2.
Variant type: single nucleotide variant.
Coding change: c.3270A>G on transcript NM_020937.4 (MANE Select); coding-DNA position 3270, A replaced by G.
Protein change: p.Gln1090=; no amino-acid change (glutamine 1090 retained).
Molecular consequence: synonymous variant.
Genome position (GRCh38, 1-based): chr14:45,176,024, A>G. VCF-style: chr14-45176024-A-G. GRCh37 (hg19) VCF-style: chr14-45645227-A-G.
Other names: c.3192A>G, p.Gln1064= (NM_001308133.2).
Identifiers: ClinVar variation 3572285 (VCV003572285.2).

ClinVar aggregate classification (germline): Conflicting classifications of pathogenicity. Review status: criteria provided, conflicting classifications (1 of 4 stars). 2 submissions from 2 submitters: Uncertain significance (1); Likely benign (1). Last evaluated 2025-07-11.

Conditions:
Inborn genetic diseases. Identifiers: MedGen C0950123, MeSH D030342.

Submissions (2):

Ambry Genetics
Classification: Likely benign for Inborn genetic diseases. Last evaluated: 2025-07-11. Review status: criteria provided, single submitter. Criteria: Ambry Variant Classification Scheme 2023. Collection method: clinical testing. Allele origin: germline.

Quest Diagnostics Nichols Institute San Juan Capistrano
Classification: Uncertain significance. Last evaluated: 2024-01-25. Review status: criteria provided, single submitter. Criteria: Quest Diagnostics criteria. Collection method: clinical testing. Allele origin: unknown.
Comment: The FANCM c.3270A>G (p.Gln1090=) synonymous variant has not been reported as a germline variant in individuals with FANCM-related conditions in the published literature. It also has not been reported in large, multi-ethnic general populations (Genome Aggregation Database). Analysis of this variant using software algorithms for the prediction of the effect of nucleotide changes on splicing yielded predictions that this variant does not affect FANCM mRNA splicing. Based on the available information, we are unable to determine the clinical significance of this variant.

Literature cited by the submitters: PubMed 31664194 (cited by Quest Diagnostics Nichols Institute San Juan Capistrano).